The following is an entry in ClinVar:

NM_006739.4(MCM5):c.1064G>C (p.Cys355Ser)

Gene: MCM5 (minichromosome maintenance complex component 5; plus strand). Cytogenetic location: 22q12.3.
Variant type: single nucleotide variant.
Coding change: c.1064G>C on transcript NM_006739.4 (MANE Select); coding-DNA position 1064, G replaced by C.
Protein change: p.Cys355Ser; replaces cysteine 355 with serine.
Molecular consequence: missense variant.
Genome position (GRCh38, 1-based): chr22:35,412,654, G>C. VCF-style: chr22-35412654-G-C. GRCh37 (hg19) VCF-style: chr22-35808647-G-C.
Other names: short protein forms C355S.
Identifiers: ClinVar variation 2780354 (VCV002780354.3), dbSNP rs2517894872, ClinGen allele CA411344677.

ClinVar aggregate classification (germline): Uncertain significance (1 of 4 stars; one submission).

Submission:

Labcorp Genetics (formerly Invitae), Labcorp
Classification: Uncertain significance. Last evaluated: 2023-03-04. Review status: criteria provided, single submitter. Criteria: Invitae Variant Classification Sherloc (09022015). Collection method: clinical testing. Allele origin: germline.
Comment: In summary, the available evidence is currently insufficient to determine the role of this variant in disease. Therefore, it has been classified as a Variant of Uncertain Significance. Advanced modeling of protein sequence and biophysical properties (such as structural, functional, and spatial information, amino acid conservation, physicochemical variation, residue mobility, and thermodynamic stability) performed at Invitae indicates that this missense variant is not expected to disrupt MCM5 protein function. This variant has not been reported in the literature in individuals affected with MCM5-related conditions. This variant is not present in population databases (gnomAD no frequency). This sequence change replaces cysteine, which is neutral and slightly polar, with serine, which is neutral and polar, at codon 355 of the MCM5 protein (p.Cys355Ser).